The following is an entry in ClinVar:

NM_007055.4(POLR3A):c.*813A>G

Gene: POLR3A (RNA polymerase III subunit A; minus strand). Cytogenetic location: 10q22.3.
Variant type: single nucleotide variant.
Coding change: c.*813A>G on transcript NM_007055.4 (MANE Select); 813 bases downstream of the stop codon, A replaced by G.
Molecular consequence: 3 prime UTR variant.
Genome position (GRCh38, 1-based): chr10:77,976,665, T>C on the plus strand (A>G on the coding strand, the complement: POLR3A is on the minus strand). VCF-style: chr10-77976665-T-C. GRCh37 (hg19) VCF-style: chr10-79736423-T-C.
Identifiers: ClinVar variation 301020 (VCV000301020.7), dbSNP rs186927032, ClinGen allele CA10636552.

ClinVar aggregate classification (germline): Conflicting classifications of pathogenicity. Review status: criteria provided, conflicting classifications (1 of 4 stars). 2 submissions from 2 submitters: Uncertain significance (1); Likely benign (1). Last evaluated 2021-11-22.

Conditions:
Leukodystrophy, hypomyelinating, 7, with or without oligodontia and/or hypogonadotropic hypogonadism (HLD7). Also called: LEUKOENCEPHALOPATHY, HYPOMYELINATING, WITH ATAXIA AND DELAYED DENTITION; ATAXIA, DELAYED DENTITION, AND HYPOMYELINATION; LEUKODYSTROPHY, HYPOMYELINATING, 7, WITH OLIGODONTIA; LEUKODYSTROPHY, HYPOMYELINATING, 7, WITH OLIGODONTIA AND HYPOGONADOTROPIC HYPOGONADISM; LEUKODYSTROPHY, HYPOMYELINATING, 7, WITHOUT OLIGODONTIA OR HYPOGONADOTROPIC HYPOGONADISM; Ataxia, Delayed Dentition and Hypomyelination (ADDH). Identifiers: Orphanet 137639, Orphanet 447893, Orphanet 447896, Orphanet 77295, Orphanet 88637, MedGen CN034185, MONDO:0011897, OMIM 607694.

Allele frequency attached by ClinVar (database versions not stated): 1000 Genomes Project 30x 0.00062; 1000 Genomes Project 0.00080; TOPMed 0.00179; gnomAD 0.00308 and 0.00324.

Submissions (2):

Revvity Omics, Revvity
Classification: Uncertain significance. Last evaluated: 2021-11-22. Review status: criteria provided, single submitter. Criteria: ACMG Guidelines, 2015. Collection method: clinical testing. Allele origin: germline.

Illumina Laboratory Services, Illumina
Classification: Likely benign for Leukodystrophy, hypomyelinating, 7, with or without oligodontia and/or hypogonadotropic hypogonadism. Last evaluated: 2018-01-12. Review status: criteria provided, single submitter. Criteria: ICSL Variant Classification Criteria 13 December 2019. Collection method: clinical testing. Allele origin: germline.
Comment: This variant was observed in the ICSL laboratory as part of a predisposition screen in an ostensibly healthy population. It had not been previously curated by ICSL or reported in the Human Gene Mutation Database (HGMD: prior to June 1st, 2018), and was therefore a candidate for classification through an automated scoring system. Utilizing variant allele frequency, disease prevalence and penetrance estimates, and inheritance mode, an automated score was calculated to assess if this variant is too frequent to cause the disease. Based on the score and internal cut-off values, a variant classified as likely benign is not then subjected to further curation. The score for this variant resulted in a classification of likely benign for this disease.